The following is an entry in ClinVar:

NM_020461.4(TUBGCP6):c.4108+1G>C

Gene: TUBGCP6 (tubulin gamma complex component 6; minus strand). Cytogenetic location: 22q13.33.
Variant type: single nucleotide variant.
Coding change: c.4108+1G>C on transcript NM_020461.4 (MANE Select); the canonical splice donor site of the intron after coding-DNA position 4108, G replaced by C.
Molecular consequence: splice donor variant.
Genome position (GRCh38, 1-based): chr22:50,220,250, C>G on the plus strand (G>C on the coding strand, the complement: TUBGCP6 is on the minus strand). VCF-style: chr22-50220250-C-G. GRCh37 (hg19) VCF-style: chr22-50658679-C-G.
Identifiers: ClinVar variation 3901574 (VCV003901574.2).

ClinVar aggregate classification (germline): Pathogenic (1 of 4 stars; one submission).

Submission:

GeneDx
Classification: Pathogenic. Last evaluated: 2025-07-02. Review status: criteria provided, single submitter. Criteria: GeneDx Variant Classification Process June 2021. Collection method: clinical testing. Allele origin: germline. Affected: yes.
Comment: Canonical splice site variant predicted to result in a null allele in a gene for which loss of function is a known mechanism of disease; Not observed at significant frequency in large population cohorts (gnomAD); Has not been previously published as pathogenic or benign to our knowledge